The following is an entry in ClinVar:

ClinVar aggregate classification (germline): Likely benign. Review status: criteria provided, multiple submitters, no conflicts (2 of 4 stars). 3 submissions from 3 submitters: Likely benign (3). Last evaluated 2026-06-17.

Conditions:
Autosomal recessive hypophosphatemic bone disease (HHRH). Also called: Hypophosphatemic rickets with hypercalciuria; HYPERCALCIURIC RICKETS. Identifiers: Orphanet 157215, MedGen C1853271, MONDO:0009431, OMIM 241530.
SLC34A3-related disorder. Also called: SLC34A3-related condition.

Allele frequency attached by ClinVar (database versions not stated): 1000 Genomes Project 30x 0.00047; ESP Exome Variant Server 0.00054; 1000 Genomes Project 0.00060.
gnomAD v4.1: 204 of 1,609,870 alleles (0.013%); highest among the groups gnomAD compares: African/African-American, 0.12%; 1 homozygote.

Submissions (3):

PreventionGenetics, part of Exact Sciences
Classification: Likely benign for SLC34A3-related condition. Last evaluated: 2026-06-17. Review status: criteria provided, single submitter. Criteria: ACMG Guidelines, 2015. Collection method: clinical testing. Allele origin: germline.
Comment: This variant is classified as likely benign based on ACMG/AMP sequence variant interpretation guidelines (Richards et al. 2015 PMID: 25741868, with internal and published modifications).

Labcorp Genetics (formerly Invitae), Labcorp
Classification: Likely benign. Last evaluated: 2025-08-23. Review status: criteria provided, single submitter. Criteria: Invitae Variant Classification Sherloc (09022015). Collection method: clinical testing. Allele origin: germline.

Fulgent Genetics
Classification: Likely benign for Autosomal recessive hypophosphatemic bone disease. Last evaluated: 2022-05-09. Review status: criteria provided, single submitter. Criteria: ACMG Guidelines, 2015. Collection method: clinical testing. Allele origin: unknown.

NM_001177316.2(SLC34A3):c.1326C>T (p.Ser442=)

Gene: SLC34A3 (solute carrier family 34 member 3; plus strand). Cytogenetic location: 9q34.3.
Variant type: single nucleotide variant.
Coding change: c.1326C>T on transcript NM_001177316.2 (MANE Select); coding-DNA position 1326, C replaced by T.
Protein change: p.Ser442=; no amino-acid change (serine 442 retained).
Molecular consequence: synonymous variant.
Genome position (GRCh38, 1-based): chr9:137,234,722, C>T. VCF-style: chr9-137234722-C-T. GRCh37 (hg19) VCF-style: chr9-140129174-C-T.
Other names: c.1326C>T, p.Ser442= (NM_001177317.2, NM_080877.3).
Identifiers: ClinVar variation 1095979 (VCV001095979.11), dbSNP rs144275345, ClinGen allele CA5364892.